The following is an entry in ClinVar:

NM_001350451.2(RBFOX3):c.679C>A (p.Leu227Ile)

Gene: RBFOX3 (RNA binding fox-1 homolog 3; minus strand). Cytogenetic location: 17q25.3.
Variant type: single nucleotide variant.
Coding change: c.679C>A on transcript NM_001350451.2 (MANE Select); coding-DNA position 679, C replaced by A.
Protein change: p.Leu227Ile; replaces leucine 227 with isoleucine.
Molecular consequence: missense variant.
Genome position (GRCh38, 1-based): chr17:79,097,368, G>T on the plus strand (C>A on the coding strand, the complement: RBFOX3 is on the minus strand). VCF-style: chr17-79097368-G-T. GRCh37 (hg19) VCF-style: chr17-77093450-G-T.
Other names: c.679C>A, p.Leu227Ile (NM_001082575.3, NM_001350453.2, NM_001385804.1 and 33 more transcripts); c.676C>A, p.Leu226Ile (NM_001385806.1, NM_001385822.1, NM_001385823.1 and 4 more transcripts); c.586C>A, p.Leu196Ile (NM_001385824.1); c.700C>A, p.Leu234Ile (NM_001385827.1); c.532C>A, p.Leu178Ile (NM_001385847.1); short protein forms L227I, L178I, L196I, L226I, L234I.
Identifiers: ClinVar variation 644780 (VCV000644780.9), dbSNP rs565220696, ClinGen allele CA294779919.

ClinVar aggregate classification (germline): Uncertain significance (1 of 4 stars; one submission).

Conditions:
Idiopathic generalized epilepsy. Also called: EIG; Generalised epilepsy. Identifiers: MedGen C0270850, MONDO:0005579, OMIM 600669.

Allele frequency attached by ClinVar (database versions not stated): gnomAD 0.00001; 1000 Genomes Project 30x 0.00016; 1000 Genomes Project 0.00020.
gnomAD v4.1: 10 of 1,548,734 alleles (0.00065%); highest among the groups gnomAD compares: South Asian, 0.012%; no homozygotes.

Submission:

Labcorp Genetics (formerly Invitae), Labcorp
Classification: Uncertain significance for Idiopathic generalized epilepsy. Last evaluated: 2018-12-17. Review status: criteria provided, single submitter. Criteria: Invitae Variant Classification Sherloc (09022015). Collection method: clinical testing. Allele origin: germline.
Comment: In summary, the available evidence is currently insufficient to determine the role of this variant in disease. Therefore, it has been classified as a Variant of Uncertain Significance. Algorithms developed to predict the effect of missense changes on protein structure and function are either unavailable or do not agree on the potential impact of this missense change (SIFT: "Tolerated"; PolyPhen-2: "Possibly Damaging"; Align-GVGD: "Class C0"). This variant has not been reported in the literature in individuals with RBFOX3-related conditions. The frequency data for this variant in the population databases is considered unreliable, as metrics indicate insufficient coverage at this position in the ExAC database. This sequence change replaces leucine with isoleucine at codon 227 of the RBFOX3 protein (p.Leu227Ile). The leucine residue is moderately conserved and there is a small physicochemical difference between leucine and isoleucine.